The following is an entry in ClinVar:

ClinVar aggregate classification (germline): Pathogenic. Review status: criteria provided, multiple submitters, no conflicts (2 of 4 stars). 3 submissions from 3 submitters: Pathogenic (2). 1 of the submissions does not count toward it. Last evaluated 2024-12-20.

Conditions:
Alzheimer disease 3 (AD3). Also called: ALZHEIMER DISEASE, FAMILIAL, 3. Identifiers: Orphanet 1020, MedGen C1843013, MONDO:0011913, OMIM 607822.
Acne inversa, familial, 3 (ACNINV3). Identifiers: MedGen C3151038, MONDO:0013398, OMIM 613737.
Frontotemporal dementia (FTD1). Also called: Frontotemporal Dementia with Parkinsonism-17 (FTDP-17); FRONTOTEMPORAL DEMENTIA WITH PARKINSONISM; FRONTOTEMPORAL LOBE DEMENTIA; MULTIPLE SYSTEM TAUOPATHY WITH PRESENILE DEMENTIA; Dementia, frontotemporal, with or without parkinsonism; WILHELMSEN-LYNCH DISEASE. Identifiers: Orphanet 282, MedGen C0338451, MONDO:0017276, OMIM 600274, HP:0002145.
Pick disease. Also called: PICK DISEASE OF BRAIN; DEMENTIA WITH LOBAR ATROPHY AND NEURONAL CYTOPLASMIC INCLUSIONS; LOBAR ATROPHY OF BRAIN; Pick's disease; Pick Disease of the Brain. Identifiers: Orphanet 282, MedGen C0236642, MONDO:0008243, OMIM 172700.

Submissions (3):

Institute of Medical Genetics and Applied Genomics, University Hospital Tübingen
Classification: Pathogenic for Alzheimer disease 3. Last evaluated: 2024-12-20. Review status: criteria provided, single submitter. Criteria: ACMG Guidelines, 2015. Collection method: clinical testing. Allele origin: germline. Inheritance: Autosomal dominant inheritance. Affected: yes.

Labcorp Genetics (formerly Invitae), Labcorp
Classification: Pathogenic for Alzheimer disease 3; Pick disease; Acne inversa, familial, 3; Frontotemporal dementia. Last evaluated: 2022-10-05. Review status: criteria provided, single submitter. Criteria: Invitae Variant Classification Sherloc (09022015). Collection method: clinical testing. Allele origin: germline.
Comment: This variant is not present in population databases (gnomAD no frequency). This missense change has been observed in individuals with early-onset Alzheimer disease (PMID: 15004326, 23850332). It has also been observed to segregate with disease in related individuals. ClinVar contains an entry for this variant (Variation ID: 98047). Advanced modeling of protein sequence and biophysical properties (such as structural, functional, and spatial information, amino acid conservation, physicochemical variation, residue mobility, and thermodynamic stability) performed at Invitae indicates that this missense variant is expected to disrupt PSEN1 protein function. Experimental studies have shown that this missense change affects PSEN1 function (PMID: 15004326). This variant disrupts the p.Phe177 amino acid residue in PSEN1. Other variant(s) that disrupt this residue have been observed in individuals with PSEN1-related conditions (PMID: 22810102, 34776449), which suggests that this may be a clinically significant amino acid residue. For these reasons, this variant has been classified as Pathogenic. This sequence change replaces phenylalanine, which is neutral and non-polar, with serine, which is neutral and polar, at codon 177 of the PSEN1 protein (p.Phe177Ser).

VIB  Department of Molecular Genetics, University of Antwerp
No classification provided. Review status: no classification provided. Collection method: not provided. Allele origin: not provided. Not counted in ClinVar's aggregate classification.

Literature cited by the submitters: PubMed 15004326 (cited by Labcorp Genetics (formerly Invitae), Labcorp); PubMed 23850332 (cited by Labcorp Genetics (formerly Invitae), Labcorp); PubMed 22810102 (cited by Labcorp Genetics (formerly Invitae), Labcorp); PubMed 34776449 (cited by Labcorp Genetics (formerly Invitae), Labcorp).

NM_000021.4(PSEN1):c.530T>C (p.Phe177Ser)

Gene: PSEN1 (presenilin 1; plus strand). Cytogenetic location: 14q24.2.
Variant type: single nucleotide variant.
Coding change: c.530T>C on transcript NM_000021.4 (MANE Select); coding-DNA position 530, T replaced by C.
Protein change: p.Phe177Ser; replaces phenylalanine 177 with serine.
Molecular consequence: missense variant.
Genome position (GRCh38, 1-based): chr14:73,186,902, T>C. VCF-style: chr14-73186902-T-C. GRCh37 (hg19) VCF-style: chr14-73653610-T-C.
Other names: c.518T>C, p.Phe173Ser (NM_007318.3); short protein forms F177S, F173S.
Identifiers: ClinVar variation 98047 (VCV000098047.7), dbSNP rs63749806, ClinGen allele CA225057.